The following is an entry in ClinVar:

NM_000492.4(CFTR):c.3724del (p.Leu1242fs)

Genes: CFTR (CF transmembrane conductance regulator; plus strand), CFTR-AS2 (CFTR antisense RNA 2; minus strand). Cytogenetic location: 7q31.2.
Variant type: Deletion.
Coding change: c.3724del on transcript NM_000492.4 (MANE Select); coding-DNA position 3724, one base deleted (C; older notation c.3724delC).
Protein change: p.Leu1242fs; shifts the reading frame from leucine 1242.
Molecular consequence: frameshift variant.
Genome position (GRCh38, 1-based): chr7:117,642,444, C deleted; the last of 2 consecutive C bases (chr7:117,642,443-117,642,444); deleting either gives the same sequence. VCF-style (leftmost placement, unchanged base first): chr7-117642442-GC-G. GRCh37 (hg19) VCF-style: chr7-117282496-GC-G.
Other names: short protein forms L1242fs.
Identifiers: ClinVar variation 3572100 (VCV003572100.1).

ClinVar aggregate classification (germline): Pathogenic/Likely pathogenic. Review status: criteria provided, multiple submitters, no conflicts (2 of 4 stars). 2 submissions from 2 submitters: Pathogenic (1); Likely pathogenic (1). Last evaluated 2025-05-05.

Conditions:
CFTR-related disorder (CFTR-RD). Also called: CFTR-related disorders; CFTR-related condition. Identifiers: MedGen C5924204, MONDO:7770004.

Submissions (2):

Natera, Inc.
Classification: Likely pathogenic for CFTR-related disorders. Last evaluated: 2025-05-05. Review status: criteria provided, single submitter. Criteria: Natera Variant Classification Schema (03/2026). Collection method: clinical testing. Allele origin: germline.
Comment: The c.3724delC variant in CFTR is a frameshift variant predicted to shift the reading frame beginning at codon 1242 and leads to a stop codon 17 codons downstream. This variant is expected to result in nonsense mediated decay, truncation, or a dysfunctional protein product. This variant is rare in the general population with a frequency below the threshold expected for the associated phenotype(s). Given the available evidence, this variant is classified as Likely Pathogenic.

Quest Diagnostics Nichols Institute San Juan Capistrano
Classification: Pathogenic. Last evaluated: 2024-04-10. Review status: criteria provided, single submitter. Criteria: Quest Diagnostics criteria. Collection method: clinical testing. Allele origin: unknown.
Comment: The CFTR c.3724del (p.Leu1242Serfs*17) variant alters the translational reading frame of the CFTR mRNA and causes the premature termination of CFTR protein synthesis. This variant has not been reported in individuals with CFTR-related conditions in the published literature. However, it has been reported in an online database in an individual with cystic fibrosis (CFTR2). This variant has not been reported in large, multi-ethnic general populations (Genome Aggregation Database). Based on the available information, this variant is classified as pathogenic.